The following is an entry in ClinVar:

NM_001042492.3(NF1):c.6772_6773insACCCATGCTAAT (p.Arg2258delinsHisProCysTer)

Gene: NF1 (neurofibromin 1; plus strand). Cytogenetic location: 17q11.2.
Variant type: Insertion.
Coding change: c.6772_6773insACCCATGCTAAT on transcript NM_001042492.3 (MANE Select); coding-DNA positions 6772 to 6773, ACCCATGCTAAT inserted.
Protein change: p.Arg2258delinsHisProCysTer.
Molecular consequence: nonsense.
Genome position: GRCh38 VCF-style: chr17-31338092-C-CACCCATGCTAAT. GRCh37 (hg19) VCF-style: chr17-29665110-C-CACCCATGCTAAT.
Other names: c.6709_6710insACCCATGCTAAT, p.Arg2237delinsHisProCysTer (NM_000267.4).
Identifiers: ClinVar variation 4685822 (VCV004685822.1).

ClinVar aggregate classification (germline): Pathogenic (1 of 4 stars; one submission).

Submission:

ARUP Laboratories, Molecular Genetics and Genomics, ARUP Laboratories
Classification: Pathogenic. Last evaluated: 2025-05-19. Review status: criteria provided, single submitter. Criteria: ARUP Molecular Germline Variant Investigation Process 2024. Collection method: clinical testing. Allele origin: germline.
Comment: The NF1 c.6772_6773insACCCATGCTAAT; p.Arg2258delinsHisProCysTer variant, to our knowledge, is not reported in the medical literature or gene specific databases. This variant is also absent from the Genome Aggregation Database (v2.1.1), indicating it is not a common polymorphism. This variant causes translational frameshift by inserting 12 nucleotides introducing an early termination codon, so it is predicted to result in a truncated protein or mRNA subject to nonsense-mediated decay. Additionally, several downstream truncating variants have been described in individuals with neurofibromatosis type 1 and are considered pathogenic (Ars 2003). Based on available information, this variant is considered to be pathogenic. References: Ars E et al. Recurrent mutations in the NF1 gene are common among neurofibromatosis type 1 patients. J Med Genet. 2003 Jun;40(6):e82. PMID: 12807981.